The following is an entry in ClinVar:

NM_198428.3(BBS9):c.2636T>A (p.Val879Asp)

Gene: BBS9 (Bardet-Biedl syndrome 9; plus strand). Cytogenetic location: 7p14.3.
Variant type: single nucleotide variant.
Coding change: c.2636T>A on transcript NM_198428.3 (MANE Select); coding-DNA position 2636, T replaced by A.
Protein change: p.Val879Asp; replaces valine 879 with aspartic acid.
Molecular consequence: missense variant. On other transcripts: non-coding transcript variant (3), intron variant (2).
Genome position (GRCh38, 1-based): chr7:33,605,198, T>A. VCF-style: chr7-33605198-T-A. GRCh37 (hg19) VCF-style: chr7-33644810-T-A.
Other names: c.2531T>A, p.Val844Asp (NM_001033604.2); c.2621T>A, p.Val874Asp (NM_001033605.2); c.2636T>A, p.Val879Asp (NM_001348036.1); c.2087T>A, p.Val696Asp (NM_001348037.3); c.2363T>A, p.Val788Asp (NM_001348038.3); c.2258T>A, p.Val753Asp (NM_001348039.3); c.2513T>A, p.Val838Asp (NM_001348040.3); c.2501T>A, p.Val834Asp (NM_001348042.3); and 6 more; short protein forms V844D, V874D, V878D, V879D, V696D, V722D, V753D, V757D.
Identifiers: ClinVar variation 1061190 (VCV001061190.9), dbSNP rs976242629, ClinGen allele CA156756430.

ClinVar aggregate classification (germline): Uncertain significance (1 of 4 stars; one submission).

Conditions:
Bardet-Biedl syndrome (BBS). Identifiers: Orphanet 110, MedGen C0752166, MONDO:0015229.

Allele frequency attached by ClinVar (database versions not stated): TOPMed below 0.00001; gnomAD 0.00001.
gnomAD v4.1: 2 of 1,612,244 alleles (0.00012%); highest among the groups gnomAD compares: African/African-American, 0.0027%; no homozygotes.

Submission:

Labcorp Genetics (formerly Invitae), Labcorp
Classification: Uncertain significance for Bardet-Biedl syndrome. Last evaluated: 2022-08-31. Review status: criteria provided, single submitter. Criteria: Invitae Variant Classification Sherloc (09022015). Collection method: clinical testing. Allele origin: germline.
Comment: In summary, the available evidence is currently insufficient to determine the role of this variant in disease. Therefore, it has been classified as a Variant of Uncertain Significance. Algorithms developed to predict the effect of sequence changes on RNA splicing suggest that this variant may create or strengthen a splice site. Algorithms developed to predict the effect of missense changes on protein structure and function output the following: SIFT: "Deleterious"; PolyPhen-2: "Benign"; Align-GVGD: "Class C15". The aspartic acid amino acid residue is found in multiple mammalian species, which suggests that this missense change does not adversely affect protein function. ClinVar contains an entry for this variant (Variation ID: 1061190). This variant has not been reported in the literature in individuals affected with BBS9-related conditions. This variant is not present in population databases (gnomAD no frequency). This sequence change replaces valine, which is neutral and non-polar, with aspartic acid, which is acidic and polar, at codon 879 of the BBS9 protein (p.Val879Asp).